The following is an entry in ClinVar:

NM_194318.4(B3GLCT):c.673A>G (p.Ile225Val)

Gene: B3GLCT (beta 3-glucosyltransferase; plus strand). Cytogenetic location: 13q12.3.
Variant type: single nucleotide variant.
Coding change: c.673A>G on transcript NM_194318.4 (MANE Select); coding-DNA position 673, A replaced by G.
Protein change: p.Ile225Val; replaces isoleucine 225 with valine.
Molecular consequence: missense variant.
Genome position (GRCh38, 1-based): chr13:31,274,521, A>G. VCF-style: chr13-31274521-A-G. GRCh37 (hg19) VCF-style: chr13-31848658-A-G.
Other names: short protein forms I225V.
Identifiers: ClinVar variation 1476032 (VCV001476032.4), dbSNP rs766659397, ClinGen allele CA6936682.

ClinVar aggregate classification (germline): Uncertain significance (1 of 4 stars; one submission).

Conditions:
Peters plus syndrome. Also called: KRAUSE-KIVLIN SYNDROME. Identifiers: Orphanet 709, MedGen C0796012, MONDO:0009856, OMIM 261540.

Allele frequency attached by ClinVar (database versions not stated): gnomAD exomes 0.00001 and 0.00002; ExAC 0.00002; gnomAD 0.00003; TOPMed 0.00004.
gnomAD v4.1: 22 of 1,614,040 alleles (0.0014%); highest among the groups gnomAD compares: African/African-American, 0.0027%; 1 homozygote.

Submission:

Labcorp Genetics (formerly Invitae), Labcorp
Classification: Uncertain significance for Peters plus syndrome. Last evaluated: 2023-06-29. Review status: criteria provided, single submitter. Criteria: Invitae Variant Classification Sherloc (09022015). Collection method: clinical testing. Allele origin: germline.
Comment: This sequence change replaces isoleucine, which is neutral and non-polar, with valine, which is neutral and non-polar, at codon 225 of the B3GLCT protein (p.Ile225Val). In summary, the available evidence is currently insufficient to determine the role of this variant in disease. Therefore, it has been classified as a Variant of Uncertain Significance. Advanced modeling of protein sequence and biophysical properties (such as structural, functional, and spatial information, amino acid conservation, physicochemical variation, residue mobility, and thermodynamic stability) performed at Invitae indicates that this missense variant is not expected to disrupt B3GLCT protein function. ClinVar contains an entry for this variant (Variation ID: 1476032). This variant has not been reported in the literature in individuals affected with B3GLCT-related conditions. This variant is present in population databases (rs766659397, gnomAD 0.004%).